The following is an entry in ClinVar:

ClinVar aggregate classification (germline): Uncertain significance (1 of 4 stars; one submission).

Conditions:
Ataxia-telangiectasia syndrome (AT). Also called: LOUIS-BAR SYNDROME; Ataxia-telangiectasia; Cerebello-oculocutaneous telangiectasia; Immunodeficiency with ataxia telangiectasia; ATAXIA-TELANGIECTASIA, COMPLEMENTATION GROUP A; ATAXIA-TELANGIECTASIA, FRESNO VARIANT. Identifiers: Orphanet 100, MedGen C0004135, MONDO:0008840, OMIM 208900.

Submission:

Labcorp Genetics (formerly Invitae), Labcorp
Classification: Uncertain significance for Ataxia-telangiectasia syndrome. Last evaluated: 2020-11-17. Review status: criteria provided, single submitter. Criteria: Invitae Variant Classification Sherloc (09022015). Collection method: clinical testing. Allele origin: germline.
Comment: This sequence change replaces valine with aspartic acid at codon 1649 of the ATM protein (p.Val1649Asp). The valine residue is moderately conserved and there is a large physicochemical difference between valine and aspartic acid. This variant is not present in population databases (ExAC no frequency). This variant has not been reported in the literature in individuals with ATM-related conditions. Advanced modeling of protein sequence and biophysical properties (such as structural, functional, and spatial information, amino acid conservation, physicochemical variation, residue mobility, and thermodynamic stability) performed at Invitae indicates that this missense variant is not expected to disrupt ATM protein function. In summary, the available evidence is currently insufficient to determine the role of this variant in disease. Therefore, it has been classified as a Variant of Uncertain Significance.

NM_000051.4(ATM):c.4946T>A (p.Val1649Asp)

Gene: ATM (ATM serine/threonine kinase; plus strand). Cytogenetic location: 11q22.3.
Variant type: single nucleotide variant.
Coding change: c.4946T>A on transcript NM_000051.4 (MANE Select); coding-DNA position 4946, T replaced by A.
Protein change: p.Val1649Asp; replaces valine 1649 with aspartic acid.
Molecular consequence: missense variant.
Genome position (GRCh38, 1-based): chr11:108,297,323, T>A. VCF-style: chr11-108297323-T-A. GRCh37 (hg19) VCF-style: chr11-108168050-T-A.
Other names: c.4946T>A, p.Val1649Asp (NM_001351834.2); short protein forms V1649D.
Identifiers: ClinVar variation 1486118 (VCV001486118.8), dbSNP rs2135862254, ClinGen allele CA382538220.